The following is an entry in ClinVar:

ClinVar aggregate classification (germline): Benign/Likely benign. Review status: criteria provided, multiple submitters, no conflicts (2 of 4 stars). 8 submissions from 6 submitters: Benign (6); Likely benign (2). Last evaluated 2021-07-19.

Conditions:
3-Methylglutaconic aciduria type 3 (MGCA3). Also called: OPA3-Related 3-Methylglutaconic Aciduria; Costeff Syndrome; OPA3, AUTOSOMAL RECESSIVE; OPTIC ATROPHY 3, AUTOSOMAL RECESSIVE. Identifiers: Orphanet 67047, MedGen C0574084, MONDO:0009787, OMIM 258501.
Optic atrophy 3 (OPA3). Also called: OPTIC ATROPHY 3, AUTOSOMAL DOMINANT; Optic atrophy, cataract, and neurologic disorder; Optic atrophy 3 with cataract. Identifiers: Orphanet 67036, MedGen C1833809, MONDO:0008133, OMIM 165300.

Allele frequency attached by ClinVar (database versions not stated): 1000 Genomes Project 0.01038; 1000 Genomes Project 30x 0.01046; TOPMed 0.01768; gnomAD 0.02193 and 0.02241; ESP Exome Variant Server 0.02214; gnomAD exomes 0.02321; ExAC 0.02389.
gnomAD v4.1: 47,764 of 1,610,818 alleles (3%); highest among the groups gnomAD compares: Non-Finnish European, 3.4%; 870 homozygotes.

Submissions (16):

Fulgent Genetics
Classification: Benign for Optic atrophy 3; 3-Methylglutaconic aciduria type 3. Last evaluated: 2021-07-19. Review status: criteria provided, single submitter. Criteria: ACMG Guidelines, 2015. Collection method: clinical testing. Allele origin: unknown.

Genome-Nilou Lab
Classification: Benign for 3-Methylglutaconic aciduria type 3. Last evaluated: 2021-06-10. Review status: criteria provided, single submitter. Criteria: ACMG Guidelines, 2015. Collection method: clinical testing. Allele origin: germline. Affected: no.

Genome-Nilou Lab
Classification: Benign for Optic atrophy 3. Last evaluated: 2021-06-10. Review status: criteria provided, single submitter. Criteria: ACMG Guidelines, 2015. Collection method: clinical testing. Allele origin: germline. Affected: no.

Illumina Laboratory Services, Illumina
Classification: Likely benign for 3-Methylglutaconic aciduria type 3. Last evaluated: 2018-01-12. Review status: criteria provided, single submitter. Criteria: ICSL Variant Classification Criteria 13 December 2019. Collection method: clinical testing. Allele origin: germline.
Comment: This variant was observed in the ICSL laboratory as part of a predisposition screen in an ostensibly healthy population. It had not been previously curated by ICSL or reported in the Human Gene Mutation Database (HGMD: prior to June 1st, 2018), and was therefore a candidate for classification through an automated scoring system. Utilizing variant allele frequency, disease prevalence and penetrance estimates, and inheritance mode, an automated score was calculated to assess if this variant is too frequent to cause the disease. Based on the score and internal cut-off values, a variant classified as likely benign is not then subjected to further curation. The score for this variant resulted in a classification of likely benign for this disease.

Illumina Laboratory Services, Illumina
Classification: Benign for Optic atrophy 3. Last evaluated: 2018-01-12. Review status: criteria provided, single submitter. Criteria: ICSL Variant Classification Criteria 13 December 2019. Collection method: clinical testing. Allele origin: germline.
Comment: This variant was observed in the ICSL laboratory as part of a predisposition screen in an ostensibly healthy population. It had not been previously curated by ICSL or reported in the Human Gene Mutation Database (HGMD: prior to June 1st, 2018), and was therefore a candidate for classification through an automated scoring system. Utilizing variant allele frequency, disease prevalence and penetrance estimates, and inheritance mode, an automated score was calculated to assess if this variant is too frequent to cause the disease. Based on the score and internal cut-off values, a variant classified as benign is not then subjected to further curation. The score for this variant resulted in a classification of benign for this disease.

Eurofins Ntd Llc (ga)
Classification: Benign. Last evaluated: 2017-01-31. Review status: criteria provided, single submitter. Criteria: EGL Classification Definitions 2015. Collection method: clinical testing. Allele origin: germline. Observed: 9 variant alleles, 9 heterozygotes.

GeneDx
Classification: Benign. Last evaluated: 2013-04-03. Review status: criteria provided, single submitter. Criteria: GeneDx Variant Classification (06012015). Collection method: clinical testing. Allele origin: germline. Affected: yes.
Comment: This variant is considered likely benign or benign based on one or more of the following criteria: it is a conservative change, it occurs at a poorly conserved position in the protein, it is predicted to be benign by multiple in silico algorithms, and/or has population frequency not consistent with disease.

Breakthrough Genomics
Classification: Likely benign. Review status: criteria provided, single submitter. Criteria: ACMG Guidelines, 2015. Collection method: not provided. Allele origin: germline. Inheritance: Autosomal recessive inheritance. Affected: yes.

Dr. Peter K. Rogan Lab, Western University
No classification provided (evidence only). Condition: Melanoma. Review status: no classification provided. Collection method: in vitro. Allele origin: not applicable. Functional consequence: retained intron. Not counted in ClinVar's aggregate classification.

Dr. Peter K. Rogan Lab, Western University
No classification provided (evidence only). Condition: Acute myeloid leukemia. Review status: no classification provided. Collection method: in vitro. Allele origin: not applicable. Functional consequence: retained intron. Not counted in ClinVar's aggregate classification.

Dr. Peter K. Rogan Lab, Western University
No classification provided (evidence only). Condition: Cervical cancer. Review status: no classification provided. Collection method: in vitro. Allele origin: not applicable. Functional consequence: retained intron. Not counted in ClinVar's aggregate classification.

Dr. Peter K. Rogan Lab, Western University
No classification provided (evidence only). Condition: Sarcoma. Review status: no classification provided. Collection method: in vitro. Allele origin: not applicable. Functional consequence: retained intron. Not counted in ClinVar's aggregate classification.

Dr. Peter K. Rogan Lab, Western University
No classification provided (evidence only). Condition: Nonpapillary renal cell carcinoma. Review status: no classification provided. Collection method: in vitro. Allele origin: not applicable. Functional consequence: retained intron. Not counted in ClinVar's aggregate classification.

Dr. Peter K. Rogan Lab, Western University
No classification provided (evidence only). Condition: Pancreatic adenocarcinoma. Review status: no classification provided. Collection method: in vitro. Allele origin: not applicable. Functional consequence: retained intron. Not counted in ClinVar's aggregate classification.

Dr. Peter K. Rogan Lab, Western University
No classification provided (evidence only). Condition: Gastric cancer. Review status: no classification provided. Collection method: in vitro. Allele origin: not applicable. Functional consequence: retained intron. Not counted in ClinVar's aggregate classification.

Dr. Peter K. Rogan Lab, Western University
No classification provided (evidence only). Condition: Malignant tumor of esophagus. Review status: no classification provided. Collection method: in vitro. Allele origin: not applicable. Functional consequence: retained intron. Not counted in ClinVar's aggregate classification.

NM_025136.4(OPA3):c.-38A>G

Genes: OPA3 (outer mitochondrial membrane lipid metabolism regulator OPA3; minus strand), OPA3-RTN2 (OPA3-RTN2 readthrough; minus strand), LOC130064709 (ATAC-STARR-seq lymphoblastoid active region 14802; plus strand). Cytogenetic location: 19q13.32.
Variant type: single nucleotide variant.
Coding change: c.-38A>G on transcript NM_025136.4 (MANE Select); 38 bases upstream of the start codon, A replaced by G.
Molecular consequence: 5 prime UTR variant.
Genome position (GRCh38, 1-based): chr19:45,584,802, T>C on the plus strand (A>G on the coding strand, the complement: OPA3 is on the minus strand). VCF-style: chr19-45584802-T-C. GRCh37 (hg19) VCF-style: chr19-46088060-T-C.
Other names: NC_000019.9:g.46088060T>C; c.-38A>G (NM_001017989.3).
Identifiers: ClinVar variation 138572 (VCV000138572.14), dbSNP rs45527139, ClinGen allele CA292640.
Genomic context (GRCh38, chr19:45,584,802, plus strand): 5'-ATAGGGAACGCGCCCACCACCATCTTGGCGGTCTCACAGGGCACGCGCAACCTTGCTGAC[T>C]GGGCGGGGCGCCTCAACCTCTTCACTCCTCCCCCGCCCTCTCGTGGCCATGCGTGCGTCA-3'